The following is an entry in ClinVar:

ClinVar aggregate classification (germline): Uncertain significance. Review status: criteria provided, multiple submitters, no conflicts (2 of 4 stars). 2 submissions from 2 submitters: Uncertain significance (2). Last evaluated 2022-12-28.

Conditions:
Primary ciliary dyskinesia. Also called: Ciliary dyskinesia. Identifiers: Orphanet 244, MedGen C0008780, MONDO:0016575, HP:0012265.

Allele frequency attached by ClinVar (database versions not stated): gnomAD 0.00001; TOPMed 0.00001.
gnomAD v4.1: 43 of 1,613,340 alleles (0.0027%); highest among the groups gnomAD compares: Non-Finnish European, 0.0034%; no homozygotes.

Submissions (2):

Ambry Genetics
Classification: Uncertain significance. Last evaluated: 2022-12-28. Review status: criteria provided, single submitter. Criteria: Ambry Variant Classification Scheme 2023. Collection method: clinical testing. Allele origin: germline.

Labcorp Genetics (formerly Invitae), Labcorp
Classification: Uncertain significance for Primary ciliary dyskinesia. Last evaluated: 2021-08-26. Review status: criteria provided, single submitter. Criteria: Invitae Variant Classification Sherloc (09022015). Collection method: clinical testing. Allele origin: germline.
Comment: This sequence change replaces arginine with tryptophan at codon 744 of the DNAH8 protein (p.Arg744Trp). The arginine residue is highly conserved and there is a moderate physicochemical difference between arginine and tryptophan. This variant is present in population databases (rs758774116, ExAC 0.009%). This variant has not been reported in the literature in individuals affected with DNAH8-related conditions. Algorithms developed to predict the effect of missense changes on protein structure and function are either unavailable or do not agree on the potential impact of this missense change (SIFT: "Deleterious"; PolyPhen-2: "Not Available"; Align-GVGD: "Class C0"). In summary, the available evidence is currently insufficient to determine the role of this variant in disease. Therefore, it has been classified as a Variant of Uncertain Significance.

NM_001206927.2(DNAH8):c.2230C>T (p.Arg744Trp)

Gene: DNAH8 (dynein axonemal heavy chain 8; plus strand). Cytogenetic location: 6p21.2.
Variant type: single nucleotide variant.
Coding change: c.2230C>T on transcript NM_001206927.2 (MANE Select); coding-DNA position 2230, C replaced by T.
Protein change: p.Arg744Trp; replaces arginine 744 with tryptophan.
Molecular consequence: missense variant.
Genome position (GRCh38, 1-based): chr6:38,781,344, C>T. VCF-style: chr6-38781344-C-T. GRCh37 (hg19) VCF-style: chr6-38749120-C-T.
Other names: c.1579C>T, p.Arg527Trp (NM_001371.4); short protein forms R527W, R744W.
Identifiers: ClinVar variation 955169 (VCV000955169.8), dbSNP rs758774116, ClinGen allele CA3788457.